The following is an entry in ClinVar:

ClinVar aggregate classification (germline): Uncertain significance. Review status: criteria provided, multiple submitters, no conflicts (2 of 4 stars). 3 submissions from 3 submitters: Uncertain significance (2). 1 of the submissions does not count toward it. Last evaluated 2024-05-21.

Conditions:
Usher syndrome type 1 (USH1). Also called: RETINITIS PIGMENTOSA AND CONGENITAL DEAFNESS. Identifiers: Orphanet 231169, Orphanet 886, MedGen C1568247, MONDO:0010168, OMIM 276900.

Allele frequency attached by ClinVar (database versions not stated): ExAC 0.00002; gnomAD 0.00005; TOPMed 0.00009; ESP Exome Variant Server 0.00008; gnomAD exomes 0.00001 and 0.00002.
gnomAD v4.1: 16 of 1,613,864 alleles (0.00099%); highest among the groups gnomAD compares: African/African-American, 0.021%; no homozygotes.

Submissions (3):

GeneDx
Classification: Uncertain significance. Last evaluated: 2024-05-21. Review status: criteria provided, single submitter. Criteria: GeneDx Variant Classification Process June 2021. Collection method: clinical testing. Allele origin: germline. Affected: yes.
Comment: In silico analysis supports that this missense variant has a deleterious effect on protein structure/function; Has not been previously published as pathogenic or benign to our knowledge

Labcorp Genetics (formerly Invitae), Labcorp
Classification: Uncertain significance. Last evaluated: 2022-08-22. Review status: criteria provided, single submitter. Criteria: Invitae Variant Classification Sherloc (09022015). Collection method: clinical testing. Allele origin: germline.
Comment: This sequence change replaces glutamic acid, which is acidic and polar, with glycine, which is neutral and non-polar, at codon 2538 of the CDH23 protein (p.Glu2538Gly). This variant is present in population databases (rs371064571, gnomAD 0.03%). This variant has not been reported in the literature in individuals affected with CDH23-related conditions. ClinVar contains an entry for this variant (Variation ID: 940100). Algorithms developed to predict the effect of missense changes on protein structure and function are either unavailable or do not agree on the potential impact of this missense change (SIFT: "Deleterious"; PolyPhen-2: "Not Available"; Align-GVGD: "Class C0"). In summary, the available evidence is currently insufficient to determine the role of this variant in disease. Therefore, it has been classified as a Variant of Uncertain Significance.

Natera, Inc.
Classification: Uncertain significance for Usher syndrome type 1. Last evaluated: 2020-03-17. Review status: no assertion criteria provided. Collection method: clinical testing. Allele origin: germline. Not counted in ClinVar's aggregate classification.

NM_022124.6(CDH23):c.7613A>G (p.Glu2538Gly)

Gene: CDH23 (cadherin related 23; plus strand). Cytogenetic location: 10q22.1.
Variant type: single nucleotide variant.
Coding change: c.7613A>G on transcript NM_022124.6 (MANE Select); coding-DNA position 7613, A replaced by G.
Protein change: p.Glu2538Gly; replaces glutamic acid 2538 with glycine.
Molecular consequence: missense variant.
Genome position (GRCh38, 1-based): chr10:71,803,028, A>G. VCF-style: chr10-71803028-A-G. GRCh37 (hg19) VCF-style: chr10-73562785-A-G.
Other names: c.893A>G, p.Glu298Gly (NM_001171933.1, NM_001171934.1); short protein forms E298G, E2538G.
Identifiers: ClinVar variation 940100 (VCV000940100.9), dbSNP rs371064571, ClinGen allele CA5546387.